The following is an entry in ClinVar:

ClinVar aggregate classification (germline): Likely pathogenic (1 of 4 stars; one submission).

Submission:

GeneDx
Classification: Likely pathogenic. Last evaluated: 2017-11-21. Review status: criteria provided, single submitter. Criteria: GeneDx Variant Classification (06012015). Collection method: clinical testing. Allele origin: germline. Affected: yes.
Comment: The R28S variant has not been published as a pathogenic variant, nor has it been reported as a benign variant to our knowledge. The variant is not observed in large population cohorts (Lek et al., 2016; 1000 Genomes Consortium et al., 2015; Exome Variant Server). R28S is a semi-conservative amino acid substitution, which may impact secondary protein structure as these residues differ in some properties. This substitution occurs at a position that is conserved across species, and in silico analysis predicts this variant is probably damaging to the protein structure/function. Missense variants in nearby residues (P26L, G27A, G31R) have been reported in the Human Gene Mutation Database in association with holoprosencephaly (Stenson et al., 2014), supporting the functional importance of this region of the protein.

NM_000193.4(SHH):c.84G>T (p.Arg28Ser)

Gene: SHH (sonic hedgehog signaling molecule; minus strand). Cytogenetic location: 7q36.3.
Variant type: single nucleotide variant.
Coding change: c.84G>T on transcript NM_000193.4 (MANE Select); coding-DNA position 84, G replaced by T.
Protein change: p.Arg28Ser; replaces arginine 28 with serine.
Molecular consequence: missense variant.
Genome position (GRCh38, 1-based): chr7:155,812,039, C>A on the plus strand (G>T on the coding strand, the complement: SHH is on the minus strand). VCF-style: chr7-155812039-C-A. GRCh37 (hg19) VCF-style: chr7-155604733-C-A.
Other names: short protein forms R28S.
Identifiers: ClinVar variation 426566 (VCV000426566.2), dbSNP rs1085307689, ClinGen allele CA370152400.
Genomic context (GRCh38, chr7:155,812,039, plus strand): 5'-GATAAACTGCTTGTAGGCTAAAGGGGTCAGCTTTTTGGGGTGCCTCCTCTTCCCGAACCC[C>A]CTGCCCGGTCCGCACGCCAGTCCCGAGCATACCAGCAGCGAGGAGACGAGGACTAGCAGC-3'
Protein context (NP_000184.1, residues 18-38): VCSGLACGPG[Arg28Ser]GFGKRRHPKK